The following is an entry in ClinVar:

ClinVar aggregate classification (germline): Likely pathogenic (1 of 4 stars; one submission).

Submission:

Labcorp Genetics (formerly Invitae), Labcorp
Classification: Likely pathogenic. Last evaluated: 2022-04-25. Review status: criteria provided, single submitter. Criteria: Invitae Variant Classification Sherloc (09022015). Collection method: clinical testing. Allele origin: germline.
Comment: This variant results in the deletion of exons 18-20 and part of exon 17 (c.2718_3151+39delins26) of the LTBP2 gene. It is expected to disrupt RNA splicing. Variants that disrupt the donor or acceptor splice site typically lead to a loss of protein function (PMID: 16199547), and loss-of-function variants in LTBP2 are known to be pathogenic (PMID: 19361779, 22025892). This variant has not been reported in the literature in individuals affected with LTBP2-related conditions. In summary, the currently available evidence indicates that the variant is pathogenic, but additional data are needed to prove that conclusively. Therefore, this variant has been classified as Likely Pathogenic.

Literature cited by the submitters: PubMed 16199547; PubMed 19361779; PubMed 22025892.

NC_000014.8:g.(?_74976755)_(74988684_?)del

Gene: LTBP2 (latent transforming growth factor beta binding protein 2; minus strand). Cytogenetic location: 14q24.3.
Variant type: Deletion.
Identifiers: ClinVar variation 2423071 (VCV002423071.3).